The following is an entry in ClinVar:

ClinVar aggregate classification (germline): Likely pathogenic (1 of 4 stars; one submission).

Conditions:
Hypermanganesemia with dystonia 2 (HMNDYT2). Also called: SLC39A14 Deficiency. Identifiers: Orphanet 521406, MedGen C4310765, MONDO:0014864, OMIM 617013.

Submission:

Department of Molecular Genetics, Istishari Arab Hospital
Classification: Likely pathogenic for Hypermanganesemia with dystonia 2. Last evaluated: 2026-01-21. Review status: criteria provided, single submitter. Criteria: ACMG Guidelines, 2015. Collection method: clinical testing. Allele origin: germline. Inheritance: Autosomal recessive inheritance. Affected: yes.
Comment: The SLC39A14 variant c.971G>A, p.Trp324* creates a premature stop codon at position 324. This stop-gained (nonsense) variant is predicted to result in a loss or disruption of normal protein function through nonsense-mediated decay (NMD) or protein truncation. This variant is not observed in the gnomAD v4.1.0 dataset and has not been previously described in the literature. It is classified as likely pathogenic based on the recommendations of ACMG/AMP/ClinGen SVI guidelines.

NM_001128431.4(SLC39A14):c.971G>A (p.Trp324Ter)

Gene: SLC39A14 (solute carrier family 39 member 14; plus strand). Cytogenetic location: 8p21.3.
Variant type: single nucleotide variant.
Coding change: c.971G>A on transcript NM_001128431.4 (MANE Select); coding-DNA position 971, G replaced by A.
Protein change: p.Trp324Ter; replaces tryptophan 324 with a stop codon.
Molecular consequence: nonsense.
Genome position (GRCh38, 1-based): chr8:22,416,104, G>A. VCF-style: chr8-22416104-G-A. GRCh37 (hg19) VCF-style: chr8-22273617-G-A.
Other names: p.Trp324*; c.1001G>A, p.Trp334Ter (NM_001351657.2, NM_001351658.2, NM_001351659.2); c.971G>A, p.Trp324Ter (NM_001351660.2, NM_015359.6, NM_001135153.3 and 3 more transcripts); short protein forms W324*, W334*.
Identifiers: ClinVar variation 4686585 (VCV004686585.1).